The following is an entry in ClinVar:

NM_002180.3(IGHMBP2):c.1235+148A>G

Gene: IGHMBP2 (immunoglobulin mu DNA binding protein 2; plus strand). Cytogenetic location: 11q13.3.
Variant type: single nucleotide variant.
Coding change: c.1235+148A>G on transcript NM_002180.3 (MANE Select); 148 bases into the intron after coding-DNA position 1235, A replaced by G.
Molecular consequence: intron variant.
Genome position (GRCh38, 1-based): chr11:68,929,505, A>G. VCF-style: chr11-68929505-A-G. GRCh37 (hg19) VCF-style: chr11-68696973-A-G.
Identifiers: ClinVar variation 681974 (VCV000681974.1), dbSNP rs79051613, ClinGen allele CA13520539.
Genomic context (GRCh38, chr11:68,929,505, plus strand): 5'-GAGCCCCTGCGGTGCCTCCTCGGTTTCTCGGCACAGCTCCTACCCCGTCTTACAGCATTC[A>G]TTCATCTCAACGTCGCATCTGTGAGATCATGTACTCCCCGAGGGTGGGGTCGCATCACCT-3'

ClinVar aggregate classification (germline): Benign (1 of 4 stars; one submission).

Allele frequency attached by ClinVar (database versions not stated): 1000 Genomes Project 30x 0.02608; 1000 Genomes Project 0.02616; TOPMed 0.04141; gnomAD exomes 0.05962; gnomAD 0.06749.
gnomAD v4.1: 46,539 of 797,372 alleles (5.8%); highest among the groups gnomAD compares: Middle Eastern, 7.7%; 1,829 homozygotes.

Submission:

GeneDx
Classification: Benign. Last evaluated: 2018-06-14. Review status: criteria provided, single submitter. Criteria: GeneDx Variant Classification (06012015). Collection method: clinical testing. Allele origin: germline. Affected: yes.
Comment: This variant is considered likely benign or benign based on one or more of the following criteria: it is a conservative change, it occurs at a poorly conserved position in the protein, it is predicted to be benign by multiple in silico algorithms, and/or has population frequency not consistent with disease.